The following is an entry in ClinVar:

ClinVar aggregate classification (germline): Pathogenic/Likely pathogenic. Review status: criteria provided, multiple submitters, no conflicts (2 of 4 stars). 4 submissions from 4 submitters: Pathogenic (3); Likely pathogenic (1). Last evaluated 2024-07-02.

Conditions:
Mitochondrial DNA depletion syndrome. Also called: mitochondrial DNA depletion. Identifiers: Orphanet 35698, MedGen C0342782, MONDO:0018158.
Progressive sclerosing poliodystrophy (MTDPS4A). Also called: Alpers-Huttenlocher Syndrome (AHS); Alpers Syndrome; ALPERS PROGRESSIVE INFANTILE POLIODYSTROPHY; Mitochondrial DNA depletion syndrome 4A (Alpers type); ALPERS DIFFUSE DEGENERATION OF CEREBRAL GRAY MATTER WITH HEPATIC CIRRHOSIS; Alpers-Huttenlocher Syndrome. Identifiers: Orphanet 726, MedGen C0205710, MONDO:0008758, OMIM 203700.

Allele frequency attached by ClinVar (database versions not stated): gnomAD exomes below 0.00001; TOPMed below 0.00001; ExAC 0.00001.
gnomAD v4.1: 5 of 1,613,898 alleles (0.00031%); highest among the groups gnomAD compares: Non-Finnish European, 0.00042%; no homozygotes.

Submissions (4):

Women's Health and Genetics/Laboratory Corporation of America, LabCorp
Classification: Pathogenic for Mitochondrial DNA depletion syndrome. Last evaluated: 2024-07-02. Review status: criteria provided, single submitter. Criteria: LabCorp Variant Classification Summary - May 2015. Collection method: clinical testing. Allele origin: germline.
Comment: Variant summary: POLG c.2551A>G (p.Thr851Ala) results in a non-conservative amino acid change located in the DNA polymerase gamma, palm domain (IPR047580) of the encoded protein sequence. Five of five in-silico tools predict a damaging effect of the variant on protein function. The variant allele was found at a frequency of 4e-06 in 251400 control chromosomes. c.2551A>G has been reported in the literature as biallelic genotypes in individuals affected with features of Mitochondrial DNA Depletion Syndrome - POLG Related, such as Alpers syndrome (example, Ashley_2008, Wiltshire_2008, Woodbridge_2013, Davis_2022). These data indicate that the variant is likely to be associated with disease. At least one publication reports experimental evidence evaluating an impact on protein function (Kasiviswanathan_2009). The most pronounced variant effect results in <1% of normal polymerase activity in vitro. The following publications have been ascertained in the context of this evaluation (PMID: 18487244, 35641312, 19478085, 20185557, 18195149, 22647225). ClinVar contains an entry for this variant (Variation ID: 619395). Based on the evidence outlined above, the variant was classified as pathogenic.

Athena Diagnostics
Classification: Likely pathogenic. Last evaluated: 2024-04-05. Review status: criteria provided, single submitter. Criteria: Athena Diagnostics Criteria. Collection method: clinical testing. Allele origin: unknown.
Comment: The frequency of this variant in the general population is consistent with pathogenicity. This variant has been identified in at least one individual with a POLG-related disorder. Assessment of experimental evidence suggests this variant results in abnormal protein function. (PMID: 19478085, 20185557)

Labcorp Genetics (formerly Invitae), Labcorp
Classification: Pathogenic for Progressive sclerosing poliodystrophy. Last evaluated: 2020-07-14. Review status: criteria provided, single submitter. Criteria: Invitae Variant Classification Sherloc (09022015). Collection method: clinical testing. Allele origin: germline.
Comment: This variant is present in population databases (rs775445970, ExAC 0.001%). This sequence change replaces threonine with alanine at codon 851 of the POLG protein (p.Thr851Ala). The threonine residue is highly conserved and there is a small physicochemical difference between threonine and alanine. For these reasons, this variant has been classified as Pathogenic. This variant has been reported to affect POLG protein function (PMID: 19478085, 20185557). This variant has been observed in individual(s) with clinical features of autosomal recessive POLG-related conditions (PMID: 18195149, 18487244, 22647225). ClinVar contains an entry for this variant (Variation ID: 619395).

Wong Mito Lab, Molecular and Human Genetics, Baylor College of Medicine
Classification: Pathogenic for Progressive sclerosing poliodystrophy. Last evaluated: 2018-10-01. Review status: criteria provided, single submitter. Criteria: ACMG Guidelines, 2015. Collection method: clinical testing. Allele origin: germline.
Comment: The NM_002693.2:c.2551A>G (NP_002684.1:p.Thr851Ala) [GRCH38: NC_000015.10:g.89321783T>C] variant in POLG gene is interpretated to be a Pathogenic based on ACMG guidelines (PMID: 25741868). This variant has been reported in PMID:18195149 ; 18487244 ; 19478085 . This variant meets the following evidence codes reported in the ACMG-guideline. PS1:This variation causes same amino-acid change as an established pathogenic variant. PS3:Well established functional studies show a deleterious effect on POLG. PM2:This variant is absent in key population databases. PM3:Detected in trans with a pathogenic variant for Mitochondrial DNA depletion syndrome 4A (Alpers type) which is a recessive disorder. PP1:This variant is co-segregated with Mitochondrial DNA depletion syndrome 4A (Alpers type) in multiple affected family members. PP4:Patient's phenotype or family history is highly specific for POLG. Based on the evidence criteria codes applied, the variant is suggested to be Pathogenic.

Literature cited by the submitters: PubMed 20185557 (cited by 3 submitters); PubMed 19478085 (cited by 4 submitters); PubMed 22647225 (cited by 3 submitters); PubMed 35641312 (cited by Women's Health and Genetics/Laboratory Corporation of America, LabCorp and Athena Diagnostics); PubMed 18487244 (cited by 4 submitters); PubMed 18195149 (cited by 4 submitters); PubMed 27475922 (cited by Athena Diagnostics).

NM_002693.3(POLG):c.2551A>G (p.Thr851Ala)

Gene: POLG (DNA polymerase gamma, catalytic subunit; minus strand). Cytogenetic location: 15q26.1.
Variant type: single nucleotide variant.
Coding change: c.2551A>G on transcript NM_002693.3 (MANE Select); coding-DNA position 2551, A replaced by G.
Protein change: p.Thr851Ala; replaces threonine 851 with alanine.
Molecular consequence: missense variant.
Genome position (GRCh38, 1-based): chr15:89,321,783, T>C on the plus strand (A>G on the coding strand, the complement: POLG is on the minus strand). VCF-style: chr15-89321783-T-C. GRCh37 (hg19) VCF-style: chr15-89865014-T-C.
Other names: c.2551A>G, p.Thr851Ala (NM_001126131.2); short protein forms T851A.
Identifiers: ClinVar variation 619395 (VCV000619395.12), dbSNP rs775445970, ClinGen allele CA7724427.